The following is an entry in ClinVar:

ClinVar aggregate classification (germline): Uncertain significance (1 of 4 stars; one submission).

Conditions:
Epilepsy, idiopathic generalized, susceptibility to, 13. Also called: EPILEPSY, JUVENILE MYOCLONIC, SUSCEPTIBILITY TO, 5. Identifiers: Orphanet 307, Orphanet 64280, MedGen C4013473, MONDO:0012627, OMIM 611136.
Idiopathic generalized epilepsy. Also called: EIG; Generalised epilepsy. Identifiers: MedGen C0270850, MONDO:0005579, OMIM 600669.
Epilepsy, childhood absence 4 (ECA4). Also called: EPILEPSY, CHILDHOOD ABSENCE, SUSCEPTIBILITY TO, 4. Identifiers: Orphanet 307, MedGen C1970160.

Submission:

Labcorp Genetics (formerly Invitae), Labcorp
Classification: Uncertain significance for Epilepsy, childhood absence 4; Epilepsy, idiopathic generalized, susceptibility to, 13; Idiopathic generalized epilepsy. Last evaluated: 2022-01-17. Review status: criteria provided, single submitter. Criteria: Invitae Variant Classification Sherloc (09022015). Collection method: clinical testing. Allele origin: germline.
Comment: This sequence change replaces leucine, which is neutral and non-polar, with arginine, which is basic and polar, at codon 7 of the GABRA1 protein (p.Leu7Arg). This variant is not present in population databases (gnomAD no frequency). This variant has not been reported in the literature in individuals affected with GABRA1-related conditions. Algorithms developed to predict the effect of missense changes on protein structure and function (SIFT, PolyPhen-2, Align-GVGD) all suggest that this variant is likely to be tolerated. In summary, the available evidence is currently insufficient to determine the role of this variant in disease. Therefore, it has been classified as a Variant of Uncertain Significance.

NM_001127644.2(GABRA1):c.20T>G (p.Leu7Arg)

Gene: GABRA1 (gamma-aminobutyric acid type A receptor subunit alpha1; plus strand). Cytogenetic location: 5q34.
Variant type: single nucleotide variant.
Coding change: c.20T>G on transcript NM_001127644.2 (MANE Select); coding-DNA position 20, T replaced by G.
Protein change: p.Leu7Arg; replaces leucine 7 with arginine.
Molecular consequence: missense variant.
Genome position (GRCh38, 1-based): chr5:161,850,830, T>G. VCF-style: chr5-161850830-T-G. GRCh37 (hg19) VCF-style: chr5-161277836-T-G.
Other names: c.20T>G, p.Leu7Arg (NM_000806.5, NM_001127643.2, NM_001127645.2 and 1 more transcripts); short protein forms L7R.
Identifiers: ClinVar variation 2087365 (VCV002087365.4), dbSNP rs1757415562, ClinGen allele CA362181038.